The following is an entry in ClinVar:

ClinVar aggregate classification (germline): Uncertain significance (1 of 4 stars; one submission).

Conditions:
Baller-Gerold syndrome (BGS). Also called: CRANIOSYNOSTOSIS WITH RADIAL DEFECTS. Identifiers: Orphanet 1225, MedGen C0265308, MONDO:0009039, OMIM 218600.

Allele frequency attached by ClinVar (database versions not stated): TOPMed 0.00001.

Submission:

Labcorp Genetics (formerly Invitae), Labcorp
Classification: Uncertain significance for Baller-Gerold syndrome. Last evaluated: 2023-09-10. Review status: criteria provided, single submitter. Criteria: Invitae Variant Classification Sherloc (09022015). Collection method: clinical testing. Allele origin: germline.
Comment: This sequence change replaces serine, which is neutral and polar, with leucine, which is neutral and non-polar, at codon 134 of the RECQL4 protein (p.Ser134Leu). This variant is not present in population databases (gnomAD no frequency). This variant has not been reported in the literature in individuals affected with RECQL4-related conditions. Advanced modeling of protein sequence and biophysical properties (such as structural, functional, and spatial information, amino acid conservation, physicochemical variation, residue mobility, and thermodynamic stability) performed at Invitae indicates that this missense variant is not expected to disrupt RECQL4 protein function. In summary, the available evidence is currently insufficient to determine the role of this variant in disease. Therefore, it has been classified as a Variant of Uncertain Significance.

NM_004260.4(RECQL4):c.401C>T (p.Ser134Leu)

Gene: RECQL4 (RecQ like helicase 4; minus strand). Cytogenetic location: 8q24.3.
Variant type: single nucleotide variant.
Coding change: c.401C>T on transcript NM_004260.4 (MANE Select); coding-DNA position 401, C replaced by T.
Protein change: p.Ser134Leu; replaces serine 134 with leucine.
Molecular consequence: missense variant. On other transcripts: 5 prime UTR variant (13), non-coding transcript variant (3), intron variant (5).
Genome position (GRCh38, 1-based): chr8:144,516,718, G>A on the plus strand (C>T on the coding strand, the complement: RECQL4 is on the minus strand). VCF-style: chr8-144516718-G-A. GRCh37 (hg19) VCF-style: chr8-145742102-G-A.
Other names: c.-733C>T (NM_001413031.1, NM_001413041.1, NM_001413027.1 and 1 more transcripts); c.401C>T, p.Ser134Leu (NM_001413033.1, NM_001413036.1, NM_001413039.1 and 4 more transcripts); c.-575C>T (NM_001413034.1); c.-671C>T (NM_001413037.1, NM_001413038.1, NM_001413040.1 and 3 more transcripts); c.-940C>T (NM_001413043.1); c.355-305C>T (NM_001413029.1); c.-676-57C>T (NM_001413032.1); c.-614-57C>T (NM_001413035.1, NM_001413024.1); and 3 more; short protein forms S91L, S134L.
Identifiers: ClinVar variation 2759457 (VCV002759457.3), dbSNP rs1325725939, ClinGen allele CA372691619.